The following is an entry in ClinVar:

ClinVar aggregate classification (somatic clinical impact): Tier II - Potential (1 of 4 stars; one submission).
ClinVar aggregate classification (oncogenicity): Uncertain significance (1 of 4 stars; one submission).

Conditions:
Diffuse pediatric-type high-grade glioma, H3-wildtype and IDH-wildtype. Identifiers: MedGen C5669918, MONDO:0858939.
Neoplasm. Also called: Neoplasms; Neoplasm (disease); tumor. Identifiers: MedGen C0027651, MeSH D009369, MONDO:0005070, HP:0002664.

Submissions (2):

Center for Genomic Medicine, Rigshospitalet, Copenhagen University Hospital
Classification: Uncertain significance for Neoplasm. Last evaluated: 2026-10-16. Review status: criteria provided, single submitter. Criteria: ClinGen/CGC/VICC Guidelines for Oncogenicity, 2022. Collection method: clinical testing. Allele origin: somatic. Affected: yes.

Institute for Genomic Medicine (IGM) Clinical Laboratory, Nationwide Children's Hospital
Classification: Tier II - Potential for Diffuse pediatric-type high-grade glioma, H3-wildtype and IDH-wildtype. Assertion type: diagnostic. Clinical significance: supports diagnosis. Last evaluated: 2025-04-15. Review status: criteria provided, single submitter. Criteria: AMP/ASCO/CAP Guidelines, 2017. Collection method: clinical testing. Allele origin: somatic. Affected: yes.
Comment: Variant has Tier II (potential) clinical significance as a diagnostic inclusion criterion in diffuse pediatric-type high-grade glioma, H3-wildtype and IDH-wildtype, based on the following evidence: 1) Documented in one or more cancer databases (e.g., St. Jude Pecan, COSMIC, CIViC, OncoKB). 2) Diagnostic significance based on multiple small studies (Evidence Level C; PMID: 30333046).

Literature cited by the submitters: PubMed 30333046 (cited by Institute for Genomic Medicine (IGM) Clinical Laboratory, Nationwide Children's Hospital).

NM_003072.5(SMARCA4):c.3695G>T (p.Gly1232Val)

Gene: SMARCA4 (SWI/SNF related BAF chromatin remodeling complex subunit ATPase 4; plus strand). Cytogenetic location: 19p13.2.
Variant type: single nucleotide variant.
Coding change: c.3695G>T on transcript NM_003072.5 (MANE Select); coding-DNA position 3695, G replaced by T.
Protein change: p.Gly1232Val; replaces glycine 1232 with valine.
Molecular consequence: missense variant. On other transcripts: non-coding transcript variant (1).
Genome position (GRCh38, 1-based): chr19:11,033,438, G>T. VCF-style: chr19-11033438-G-T. GRCh37 (hg19) VCF-style: chr19-11144114-G-T.
Other names: c.3695G>T, p.Gly1232Val (NM_001128844.3, NM_001128845.2, NM_001128846.2 and 6 more transcripts); short protein forms G1232V.
Identifiers: ClinVar variation 4530280 (VCV004530280.2).
Genomic context (GRCh38, chr19:11,033,438, plus strand): 5'-AGAAGATCCTAGCTGCAGCCAAGTACAAGCTCAACGTGGACCAGAAGGTGATCCAGGCCG[G>T]CATGTTCGACCAGAAGTCCTCCAGCCATGAGCGGCGCGCCTTCCTGCAGGCCATCCTGGA-3'
Protein context (NP_003063.2, residues 1222-1242): LNVDQKVIQA[Gly1232Val]MFDQKSSSHE